The following is an entry in ClinVar:

NM_001395002.1(MAP4K4):c.131A>T (p.His44Leu)

Gene: MAP4K4 (mitogen-activated protein kinase kinase kinase kinase 4; plus strand). Cytogenetic location: 2q11.2.
Variant type: single nucleotide variant.
Coding change: c.131A>T on transcript NM_001395002.1 (MANE Select); coding-DNA position 131, A replaced by T.
Protein change: p.His44Leu; replaces histidine 44 with leucine.
Molecular consequence: missense variant. On other transcripts: non-coding transcript variant (4).
Genome position (GRCh38, 1-based): chr2:101,790,727, A>T. VCF-style: chr2-101790727-A-T. GRCh37 (hg19) VCF-style: chr2-102407189-A-T.
Other names: c.131A>T, p.His44Leu (NM_001242559.2, NM_001242560.2, NM_001384476.1 and 28 more transcripts); c.104A>T, p.His35Leu (NM_001384549.1, NM_001384550.1, NM_001384551.1 and 16 more transcripts); short protein forms H35L, H44L.
Identifiers: ClinVar variation 3252352 (VCV003252352.1), dbSNP rs2470561483.

ClinVar aggregate classification (germline): Uncertain significance (1 of 4 stars; one submission).

Submission:

GeneDx
Classification: Uncertain significance. Last evaluated: 2023-12-07. Review status: criteria provided, single submitter. Criteria: GeneDx Variant Classification Process June 2021. Collection method: clinical testing. Allele origin: germline. Affected: yes.
Comment: Has not been previously published as pathogenic or benign to our knowledge; Not observed at significant frequency in large population cohorts (gnomAD); In silico analysis supports that this missense variant has a deleterious effect on protein structure/function